The following is an entry in ClinVar:

NM_001363711.2(DUOX2):c.3881G>T (p.Gly1294Val)

Gene: DUOX2 (dual oxidase 2; minus strand). Cytogenetic location: 15q21.1.
Variant type: single nucleotide variant.
Coding change: c.3881G>T on transcript NM_001363711.2 (MANE Select); coding-DNA position 3881, G replaced by T.
Protein change: p.Gly1294Val; replaces glycine 1294 with valine.
Molecular consequence: missense variant.
Genome position (GRCh38, 1-based): chr15:45,096,027, C>A on the plus strand (G>T on the coding strand, the complement: DUOX2 is on the minus strand). VCF-style: chr15-45096027-C-A. GRCh37 (hg19) VCF-style: chr15-45388225-C-A.
Other names: c.3881G>T (NM_014080.4); c.3881G>T, p.Gly1294Val (NM_014080.5); short protein forms G1294V.
Identifiers: ClinVar variation 2160107 (VCV002160107.5), dbSNP rs760616984, ClinGen allele CA7537698.

ClinVar aggregate classification (germline): Uncertain significance. Review status: criteria provided, multiple submitters, no conflicts (2 of 4 stars). 2 submissions from 2 submitters: Uncertain significance (2). Last evaluated 2026-01-12.

Conditions:
Inborn genetic diseases. Identifiers: MedGen C0950123, MeSH D030342.

Allele frequency attached by ClinVar (database versions not stated): ExAC 0.00001.

Submissions (2):

Labcorp Genetics (formerly Invitae), Labcorp
Classification: Uncertain significance. Last evaluated: 2026-01-12. Review status: criteria provided, single submitter. Criteria: Invitae Variant Classification Sherloc (09022015). Collection method: clinical testing. Allele origin: germline.
Comment: This sequence change replaces glycine, which is neutral and non-polar, with valine, which is neutral and non-polar, at codon 1294 of the DUOX2 protein (p.Gly1294Val). This variant is present in population databases (rs760616984, gnomAD 0.002%). This variant has not been reported in the literature in individuals affected with DUOX2-related conditions. ClinVar contains an entry for this variant (Variation ID: 2160107). Invitae Evidence Modeling of protein sequence and biophysical properties (such as structural, functional, and spatial information, amino acid conservation, physicochemical variation, residue mobility, and thermodynamic stability) indicates that this missense variant is not expected to disrupt DUOX2 protein function with a negative predictive value of 80%. In summary, the available evidence is currently insufficient to determine the role of this variant in disease. Therefore, it has been classified as a Variant of Uncertain Significance.

Ambry Genetics
Classification: Uncertain significance for Inborn genetic diseases. Last evaluated: 2025-12-03. Review status: criteria provided, single submitter. Criteria: Ambry Variant Classification Scheme 2023. Collection method: clinical testing. Allele origin: germline.